The following is an entry in ClinVar:

ClinVar aggregate classification (germline): Likely pathogenic (1 of 4 stars; one submission).

Conditions:
Fabry disease. Also called: ALPHA-GALACTOSIDASE A DEFICIENCY; ANDERSON-FABRY DISEASE; CERAMIDE TRIHEXOSIDASE DEFICIENCY; GLA DEFICIENCY; HEREDITARY DYSTOPIC LIPIDOSIS; Angiokeratoma corporis diffusum. Identifiers: Orphanet 324, MedGen C0002986, MONDO:0010526, OMIM 301500, HP:0001071. Disease mechanism: Fabry disease is due to inactivating mutations in the X-linked GLA gene resulting in deficiency of the enzyme Alpha Galactosidase-A., loss of function.

Submission:

Genomenon, Inc
Classification: Likely pathogenic for Fabry disease. Last evaluated: 2026-09-08. Review status: criteria provided, single submitter. Criteria: Genomenon Sequence Variant Interpretation Standards - Updated. Collection method: curation. Allele origin: germline. Affected: no.
Comment: GLA p.Ile407Arg (c.1220T>G) is a missense variant that changes the amino acid at codon 407 from Isoleucine to Arginine. To our knowledge, this variant has not been reported in patients affected with Fabry disease in the published literature. At least one functional study has demonstrated a substantial alteration in protein function relative to the wild-type (PMID:27657681). It is absent or not present at a significant frequency in gnomAD. In silico models predict that this variant is possibly or probably damaging. In conclusion, we classify GLA p.Ile407Arg (c.1220T>G) as a likely pathogenic variant.

Literature cited by the submitters: PubMed 27657681.

NM_000169.3(GLA):c.1220T>G (p.Ile407Arg)

Genes: GLA (galactosidase alpha; minus strand), RPL36A-HNRNPH2 (RPL36A-HNRNPH2 readthrough; plus strand). Cytogenetic location: Xq22.1.
Variant type: single nucleotide variant.
Coding change: c.1220T>G on transcript NM_000169.3 (MANE Select); coding-DNA position 1220, T replaced by G.
Protein change: p.Ile407Arg; replaces isoleucine 407 with arginine.
Molecular consequence: missense variant. On other transcripts: non-coding transcript variant (3), intron variant (2).
Genome position (GRCh38, 1-based): chrX:101,397,879, A>C on the plus strand (T>G on the coding strand, the complement: GLA is on the minus strand). VCF-style: chrX-101397879-A-C. GRCh37 (hg19) VCF-style: chrX-100652867-A-C.
Other names: c.1343T>G, p.Ile448Arg (NM_001406747.1); c.300+2422A>C (NM_001199973.2); c.177+6057A>C (NM_001199974.2); short protein forms I407R, I448R.
Identifiers: ClinVar variation 4087663 (VCV004087663.2).
Genomic context (GRCh38, chrX:101,397,879, plus strand): 5'-TCTTTTAATGACATCTGCATTGTATTTTCTAGCTGAAGCAAAACAGTGCCTGTGGGATTT[A>C]TGTGACTTCTTAACCTTGAAGTCCATTCATAGAACCCTAGCTTCCTTTTCACAGGGAGGA-3'
Protein context (NP_000160.1, residues 397-417): YEWTSRLRSH[Ile407Arg]NPTGTVLLQL